The following is an entry in ClinVar:

NM_000540.3(RYR1):c.150C>G (p.Pro50=)

Gene: RYR1 (ryanodine receptor 1; plus strand). Cytogenetic location: 19q13.2.
Variant type: single nucleotide variant.
Coding change: c.150C>G on transcript NM_000540.3 (MANE Select); coding-DNA position 150, C replaced by G.
Protein change: p.Pro50=; no amino-acid change (proline 50 retained).
Molecular consequence: synonymous variant.
Genome position (GRCh38, 1-based): chr19:38,440,849, C>G. VCF-style: chr19-38440849-C-G. GRCh37 (hg19) VCF-style: chr19-38931489-C-G.
Other names: c.150C>G, p.Pro50= (NM_001042723.2).
Identifiers: ClinVar variation 478204 (VCV000478204.12), dbSNP rs554528443, ClinGen allele CA308106823.

ClinVar aggregate classification (germline): Likely benign. Review status: criteria provided, multiple submitters, no conflicts (2 of 4 stars). 3 submissions from 3 submitters: Likely benign (3). Last evaluated 2025-10-11.

Conditions:
RYR1-related disorder. Also called: RYR1-related condition; RYR1-related disorders. Identifiers: MedGen CN239331.
Malignant hyperthermia, susceptibility to, 1 (MHS1). Also called: Anesthesia related hyperthermia; Malignant hyperpyrexia; Fulminating hyperpyrexia; Pharmacogenic myopathy; Malignant hyperthermia suceptibility 1; RYR1-Related Malignant Hyperthermia Susceptibility. Identifiers: Orphanet 423, MedGen C2930980, MONDO:0007783, OMIM 145600.

Allele frequency attached by ClinVar (database versions not stated): gnomAD 0.00002 and 0.00001; 1000 Genomes Project 0.00020; 1000 Genomes Project 30x 0.00031; TOPMed 0.00001.

Submissions (3):

Labcorp Genetics (formerly Invitae), Labcorp
Classification: Likely benign for RYR1-related disorder. Last evaluated: 2025-10-11. Review status: criteria provided, single submitter. Criteria: Invitae Variant Classification Sherloc (09022015). Collection method: clinical testing. Allele origin: germline.

Color Diagnostics, LLC DBA Color Health
Classification: Likely benign for Malignant hyperthermia, susceptibility to, 1. Last evaluated: 2022-11-06. Review status: criteria provided, single submitter. Criteria: ACMG Guidelines, 2015. Collection method: clinical testing. Allele origin: germline.

GeneDx
Classification: Likely benign. Last evaluated: 2018-01-11. Review status: criteria provided, single submitter. Criteria: GeneDx Variant Classification (06012015). Collection method: clinical testing. Allele origin: germline. Affected: yes.
Comment: This variant is considered likely benign or benign based on one or more of the following criteria: it is a conservative change, it occurs at a poorly conserved position in the protein, it is predicted to be benign by multiple in silico algorithms, and/or has population frequency not consistent with disease.